The following is an entry in ClinVar:

ClinVar aggregate classification (germline): Uncertain significance. Review status: criteria provided, multiple submitters, no conflicts (2 of 4 stars). 2 submissions from 2 submitters: Uncertain significance (2). Last evaluated 2026-07-10.

Conditions:
Neurofibromatosis, type 1 (NF1). Also called: VON RECKLINGHAUSEN DISEASE; Neurofibromatosis, type I; Peripheral type neurofibromatosis; NEUROFIBROMATOSIS, TYPE I, SOMATIC. Identifiers: Orphanet 636, MedGen C0027831, MONDO:0018975, OMIM 162200. Disease mechanism: loss of function.
Hereditary cancer-predisposing syndrome. Also called: Neoplastic Syndromes, Hereditary; Hereditary neoplastic syndrome; Hereditary Cancer Syndrome; Tumor predisposition. Identifiers: Orphanet 140162, MedGen C0027672, MeSH D009386, MONDO:0015356.
Cardiovascular phenotype. Identifiers: MedGen CN230736.

Submissions (2):

Ambry Genetics
Classification: Uncertain significance for Cardiovascular phenotype; Hereditary cancer-predisposing syndrome. Last evaluated: 2026-07-10. Review status: criteria provided, single submitter. Criteria: Ambry Variant Classification Scheme 2023. Collection method: clinical testing. Allele origin: germline.
Comment: The p.F2166L variant (also known as c.6496T>C), located in coding exon 42 of the NF1 gene, results from a T to C substitution at nucleotide position 6496. The phenylalanine at codon 2166 is replaced by leucine, an amino acid with highly similar properties. This amino acid position is highly conserved in available vertebrate species. In addition, this alteration is predicted to be tolerated by in silico analysis. Based on the available evidence, the clinical significance of this variant remains unclear.

Labcorp Genetics (formerly Invitae), Labcorp
Classification: Uncertain significance for Neurofibromatosis, type 1. Last evaluated: 2022-03-08. Review status: criteria provided, single submitter. Criteria: Invitae Variant Classification Sherloc (09022015). Collection method: clinical testing. Allele origin: germline.
Comment: Advanced modeling of protein sequence and biophysical properties (such as structural, functional, and spatial information, amino acid conservation, physicochemical variation, residue mobility, and thermodynamic stability) performed at Invitae indicates that this missense variant is not expected to disrupt NF1 protein function. ClinVar contains an entry for this variant (Variation ID: 457796). This variant has not been reported in the literature in individuals affected with NF1-related conditions. This variant is not present in population databases (gnomAD no frequency). This sequence change replaces phenylalanine, which is neutral and non-polar, with leucine, which is neutral and non-polar, at codon 2166 of the NF1 protein (p.Phe2166Leu). In summary, the available evidence is currently insufficient to determine the role of this variant in disease. Therefore, it has been classified as a Variant of Uncertain Significance.

NM_001042492.3(NF1):c.6559T>C (p.Phe2187Leu)

Gene: NF1 (neurofibromin 1; plus strand). Cytogenetic location: 17q11.2.
Variant type: single nucleotide variant.
Coding change: c.6559T>C on transcript NM_001042492.3 (MANE Select); coding-DNA position 6559, T replaced by C.
Protein change: p.Phe2187Leu; replaces phenylalanine 2187 with leucine.
Molecular consequence: missense variant.
Genome position (GRCh38, 1-based): chr17:31,337,499, T>C. VCF-style: chr17-31337499-T-C. GRCh37 (hg19) VCF-style: chr17-29664517-T-C.
Other names: c.6496T>C, p.Phe2166Leu (NM_000267.4); short protein forms F2187L, F2166L.
Identifiers: ClinVar variation 457796 (VCV000457796.7), dbSNP rs1555534876, ClinGen allele CA399013277.